The following is an entry in ClinVar:

NM_014855.3(AP5Z1):c.416C>T (p.Ala139Val)

Gene: AP5Z1 (adaptor related protein complex 5 subunit zeta 1; plus strand). Cytogenetic location: 7p22.1.
Variant type: single nucleotide variant.
Coding change: c.416C>T on transcript NM_014855.3 (MANE Select); coding-DNA position 416, C replaced by T.
Protein change: p.Ala139Val; replaces alanine 139 with valine.
Molecular consequence: missense variant. On other transcripts: 5 prime UTR variant (1), non-coding transcript variant (1).
Genome position (GRCh38, 1-based): chr7:4,783,365, C>T. VCF-style: chr7-4783365-C-T. GRCh37 (hg19) VCF-style: chr7-4822996-C-T.
Other names: c.-53C>T (NM_001364858.1); short protein forms A139V.
Identifiers: ClinVar variation 2074709 (VCV002074709.3), dbSNP rs376916591, ClinGen allele CA4137204.

ClinVar aggregate classification (germline): Conflicting classifications of pathogenicity. Review status: criteria provided, conflicting classifications (1 of 4 stars). 2 submissions from 2 submitters: Uncertain significance (1); Likely benign (1). Last evaluated 2022-05-21.

Conditions:
Hereditary spastic paraplegia 48. Also called: SPASTIC PARAPLEGIA 48, AUTOSOMAL RECESSIVE; Spastic paraplegia 48. Identifiers: Orphanet 306511, MedGen C3150901, MONDO:0013342, OMIM 613647.
Inborn genetic diseases. Identifiers: MedGen C0950123, MeSH D030342.

Allele frequency attached by ClinVar (database versions not stated): gnomAD exomes 0.00002; ExAC 0.00004; gnomAD 0.00008; TOPMed 0.00010; ESP Exome Variant Server 0.00024.
gnomAD v4.1: 43 of 1,612,982 alleles (0.0027%); highest among the groups gnomAD compares: African/African-American, 0.028%; 1 homozygote.

Submissions (2):

Labcorp Genetics (formerly Invitae), Labcorp
Classification: Uncertain significance for Hereditary spastic paraplegia 48. Last evaluated: 2022-05-21. Review status: criteria provided, single submitter. Criteria: Invitae Variant Classification Sherloc (09022015). Collection method: clinical testing. Allele origin: germline.
Comment: This sequence change replaces alanine, which is neutral and non-polar, with valine, which is neutral and non-polar, at codon 139 of the AP5Z1 protein (p.Ala139Val). In summary, the available evidence is currently insufficient to determine the role of this variant in disease. Therefore, it has been classified as a Variant of Uncertain Significance. Algorithms developed to predict the effect of missense changes on protein structure and function output the following: SIFT: "Tolerated"; PolyPhen-2: "Benign"; Align-GVGD: "Class C0". The valine amino acid residue is found in multiple mammalian species, which suggests that this missense change does not adversely affect protein function. This variant has not been reported in the literature in individuals affected with AP5Z1-related conditions. This variant is present in population databases (rs376916591, gnomAD 0.04%).

Ambry Genetics
Classification: Likely benign for Inborn genetic diseases. Last evaluated: 2022-01-18. Review status: criteria provided, single submitter. Criteria: Ambry Variant Classification Scheme 2023. Collection method: clinical testing. Allele origin: germline.